The following is an entry in ClinVar:

ClinVar aggregate classification (germline): Uncertain significance (1 of 4 stars; one submission).

Conditions:
Hereditary cancer-predisposing syndrome. Also called: Tumor predisposition; Neoplastic Syndromes, Hereditary; Hereditary Cancer Syndrome; Hereditary neoplastic syndrome. Identifiers: Orphanet 140162, MedGen C0027672, MeSH D009386, MONDO:0015356.

Submission:

Ambry Genetics
Classification: Uncertain significance for Hereditary cancer-predisposing syndrome. Last evaluated: 2025-02-10. Review status: criteria provided, single submitter. Criteria: Ambry Variant Classification Scheme 2023. Collection method: clinical testing. Allele origin: germline.
Comment: The p.Q1480K variant (also known as c.4438C>A), located in coding exon 15 of the APC gene, results from a C to A substitution at nucleotide position 4438. The glutamine at codon 1480 is replaced by lysine, an amino acid with similar properties. This amino acid position is conserved. In addition, in silico predictors for this gene do not accurately predict pathogenicity. Based on the available evidence, the clinical significance of this variant remains unclear.

NM_000038.6(APC):c.4438C>A (p.Gln1480Lys)

Gene: APC (APC regulator of Wnt signaling pathway; plus strand). Cytogenetic location: 5q22.2.
Variant type: single nucleotide variant.
Coding change: c.4438C>A on transcript NM_000038.6 (MANE Select); coding-DNA position 4438, C replaced by A.
Protein change: p.Gln1480Lys; replaces glutamine 1480 with lysine.
Molecular consequence: missense variant. On other transcripts: non-coding transcript variant (2).
Genome position (GRCh38, 1-based): chr5:112,840,032, C>A. VCF-style: chr5-112840032-C-A. GRCh37 (hg19) VCF-style: chr5-112175729-C-A.
Other names: c.4438C>A, p.Gln1480Lys (NM_001127510.3, NM_001354895.2, NM_001407450.1); c.4384C>A, p.Gln1462Lys (NM_001127511.3); c.4492C>A, p.Gln1498Lys (NM_001354896.2, NM_001407447.1, NM_001407448.1 and 1 more transcripts); c.4468C>A, p.Gln1490Lys (NM_001354897.2); c.4363C>A, p.Gln1455Lys (NM_001354898.2); c.4354C>A, p.Gln1452Lys (NM_001354899.2); c.4315C>A, p.Gln1439Lys (NM_001354900.2); c.4261C>A, p.Gln1421Lys (NM_001354901.2, NM_001407453.1); and 11 more; short protein forms Q1320K, Q1354K, Q1389K, Q1439K, Q1455K, Q1462K, Q1470K, Q1480K.
Identifiers: ClinVar variation 3882370 (VCV003882370.1).